The following is an entry in ClinVar:

ClinVar aggregate classification (germline): Pathogenic (1 of 4 stars; one submission).

Submission:

Baylor Genetics
Classification: Pathogenic. Last evaluated: 2018-11-01. Review status: criteria provided, single submitter. Criteria: ACMG CNV Guidelines, 2011. Collection method: clinical testing. Allele origin: maternal. Affected: yes. Observed: 1 variant allele.
Comment: Deletions involving this region have been previously reported in patients with developmental delay, microcephaly, epilepsy, short stature, facial dysmorphism and behavioral problems [PMID: 23637818, 19843651]

GRCh37/hg19 16p13.11(chr16:15395312-16210889)

Genes: MPV17L (MPV17 mitochondrial inner membrane protein like; plus strand), ABCC1 (ATP binding cassette subfamily C member 1 (ABCC1 blood group); plus strand), BMERB1 (bMERB domain containing 1; plus strand), CEP20 (centrosomal protein 20; minus strand), MARF1 (meiosis regulator and mRNA stability factor 1; minus strand) and 3 more. Cytogenetic location: 16p13.11.
Variant type: copy number loss.
Identifiers: ClinVar variation 625571 (VCV000625571.1).